The following is an entry in ClinVar:

NM_007294.4(BRCA1):c.48T>A (p.Asn16Lys)

Gene: BRCA1 (BRCA1 DNA repair associated; minus strand). Cytogenetic location: 17q21.31.
Variant type: single nucleotide variant.
Coding change: c.48T>A on transcript NM_007294.4 (MANE Select); coding-DNA position 48, T replaced by A.
Protein change: p.Asn16Lys; replaces asparagine 16 with lysine.
Molecular consequence: missense variant. On other transcripts: 5 prime UTR variant (1), non-coding transcript variant (1).
Genome position (GRCh38, 1-based): chr17:43,124,049, A>T on the plus strand (T>A on the coding strand, the complement: BRCA1 is on the minus strand). VCF-style: chr17-43124049-A-T. GRCh37 (hg19) VCF-style: chr17-41276066-A-T.
Other names: c.-141T>A (NM_001407571.1, NM_001407853.1, NM_001407879.1 and 46 more transcripts); c.48T>A, p.Asn16Lys (NM_001407581.1, NM_001407582.1, NM_001407583.1 and 193 more transcripts); c.-210T>A (NM_001407694.1, NM_001407724.1, NM_001407727.1 and 11 more transcripts); c.-214T>A (NM_001407695.1, NM_001408465.1); c.-355T>A (NM_001407696.1); c.-239T>A (NM_001407697.1, NM_001407846.1, NM_001407920.1); c.-40T>A (NM_001407698.1, NM_001407732.1, NM_001407736.1 and 23 more transcripts); c.-213T>A (NM_001407725.1, NM_001407730.1, NM_001407734.1 and 22 more transcripts); and 8 more; short protein forms N16K.
Identifiers: ClinVar variation 479225 (VCV000479225.12), dbSNP rs1555600963, ClinGen allele CA10602063.
Genomic context (GRCh38, chr17:43,124,049, plus strand): 5'-AAATTAATACACTCTTGTGCTGACTTACCAGATGGGACACTCTAAGATTTTCTGCATAGC[A>T]TTAATGACATTTTGTACTTCTTCAACGCGAAGAGCAGATAAATCCATTTCTTTCTGTTCC-3'
Protein context (NP_009225.1, residues 6-26): LRVEEVQNVI[Asn16Lys]AMQKILECPI

ClinVar aggregate classification (germline): Uncertain significance. Review status: criteria provided, multiple submitters, no conflicts (2 of 4 stars). 3 submissions from 3 submitters: Uncertain significance (3). Last evaluated 2023-05-24.

Conditions:
Hereditary cancer-predisposing syndrome. Also called: Tumor predisposition; Hereditary Cancer Syndrome; Hereditary neoplastic syndrome; Neoplastic Syndromes, Hereditary. Identifiers: Orphanet 140162, MedGen C0027672, MeSH D009386, MONDO:0015356.
Hereditary breast ovarian cancer syndrome. Also called: Breast and ovarian cancer; Hereditary breast and/or ovarian cancer syndrome; BRCA1- and BRCA2-Associated Hereditary Breast and Ovarian Cancer; Hereditary breast and ovarian cancer syndrome; Hereditary breast and ovarian cancer syndrome (HBOC); Hereditary breast and ovarian cancer. Identifiers: Orphanet 145, MedGen C0677776, MeSH D061325, MONDO:0003582. Disease mechanism: loss of function.
Breast-ovarian cancer, familial, susceptibility to, 1 (BROVCA1). Also called: BRCA1 Hereditary Breast and Ovarian Cancer; OVARIAN CANCER, SUSCEPTIBILITY TO. Identifiers: Orphanet 145, MedGen C2676676, MONDO:0011450, OMIM 604370. Disease mechanism: loss of function.

Submissions (4):

Labcorp Genetics (formerly Invitae), Labcorp
Classification: Uncertain significance for Hereditary breast ovarian cancer syndrome. Last evaluated: 2023-05-24. Review status: criteria provided, single submitter. Criteria: Invitae Variant Classification Sherloc (09022015). Collection method: clinical testing. Allele origin: germline.
Comment: In summary, the available evidence is currently insufficient to determine the role of this variant in disease. Therefore, it has been classified as a Variant of Uncertain Significance. Experimental studies have shown that this missense change does not substantially affect BRCA1 function (PMID: 30209399). Advanced modeling performed at Invitae incorporating data from internal and/or published experimental studies (PMID: 30209399) indicates that this missense variant is not expected to disrupt BRCA1 function. ClinVar contains an entry for this variant (Variation ID: 479225). This missense change has been observed in individual(s) with breast cancer (PMID: 32856854). This variant is not present in population databases (gnomAD no frequency). This sequence change replaces asparagine, which is neutral and polar, with lysine, which is basic and polar, at codon 16 of the BRCA1 protein (p.Asn16Lys).

Baylor Genetics
Classification: Uncertain significance for Breast-ovarian cancer, familial, susceptibility to, 1. Last evaluated: 2023-05-05. Review status: criteria provided, single submitter. Criteria: ACMG Guidelines, 2015. Collection method: clinical testing. Allele origin: unknown.

Ambry Genetics
Classification: Uncertain significance for Hereditary cancer-predisposing syndrome. Last evaluated: 2016-07-14. Review status: criteria provided, single submitter. Criteria: Ambry Variant Classification Scheme 2023. Collection method: clinical testing. Allele origin: germline.
Comment: The p.N16K variant (also known as c.48T>A), located in coding exon 1 of the BRCA1 gene, results from a T to A substitution at nucleotide position 48. The asparagine at codon 16 is replaced by lysine, an amino acid with similar properties. This variant was not reported in population based cohorts in the following databases: Database of Single Nucleotide Polymorphisms (dbSNP), NHLBI Exome Sequencing Project (ESP), and 1000 Genomes Project. In the ESP, this variant was not observed in 6502 samples (13004 alleles) with coverage at this position. To date, this alteration has been detected with an allele frequency of approximately 0.0003% (greater than 300000 alleles tested) in our clinical cohort. This amino acid position is well conserved in available vertebrate species. In addition, the in silico prediction for this alteration is inconclusive. Since supporting evidence is limited at this time, the clinical significance of this alteration remains unclear.

Brotman Baty Institute, University of Washington
No classification provided (evidence only). Condition: Breast-ovarian cancer, familial 1. Review status: no classification provided. Collection method: in vitro. Allele origin: not applicable. Functional consequence: functionally_normal. Not counted in ClinVar's aggregate classification.
ClinVar note: "not provided" was previously submitted as the classification for the variant. However, the classification appeared to be based only on an observation of functional data so it was converted to no classification on 2025-07-30.

Literature cited by the submitters: PubMed 30209399 (cited by Labcorp Genetics (formerly Invitae), Labcorp); PubMed 32856854 (cited by Labcorp Genetics (formerly Invitae), Labcorp).